The following is an entry in ClinVar:

ClinVar aggregate classification (germline): Pathogenic. Review status: criteria provided, multiple submitters, no conflicts (2 of 4 stars). 6 submissions from 6 submitters: Pathogenic (4). 2 of the submissions do not count toward it. Last evaluated 2024-07-15.

Conditions:
Autosomal recessive nonsyndromic hearing loss 3. Also called: NEUROSENSORY NONSYNDROMIC RECESSIVE DEAFNESS 3. Identifiers: Orphanet 90636, MedGen C1838263, MONDO:0010860, OMIM 600316.

gnomAD v4.1: 4 of 1,567,832 alleles (0.00026%); highest among the groups gnomAD compares: East Asian, 0.0094%; no homozygotes.

Submissions (6):

Women's Health and Genetics/Laboratory Corporation of America, LabCorp
Classification: Pathogenic for Autosomal recessive nonsyndromic hearing loss 3. Last evaluated: 2024-07-15. Review status: criteria provided, single submitter. Criteria: LabCorp Variant Classification Summary - May 2015. Collection method: clinical testing. Allele origin: germline.
Comment: Variant summary: MYO15A c.5964+3G>A alters a conserved nucleotide located close to a canonical splice site and therefore could affect mRNA splicing, leading to a significantly altered protein sequence. Several computational tools predict a significant impact on normal splicing: Four predict the variant strengthens a 5' donor site. Two predict the variant creates a 5' donor site. However, these predictions have yet to be confirmed by functional studies. The variant allele was found at a frequency of 2.9e-05 in 174324 control chromosomes. c.5964+3G>A has been reported in the literature as compound heterozygous genotype in multiple individuals affected with Autosomal Recessive Nonsyndromic Hearing Loss 3 (Gao_2013, Liang_2021, Sun_2019, Zhang_2019). These data indicate that the variant is very likely to be associated with disease. To our knowledge, no experimental evidence demonstrating an impact on protein function has been reported. The following publications have been ascertained in the context of this evaluation (PMID: 24206587, 34265623, 30896630, 30953472). ClinVar contains an entry for this variant (Variation ID: 1202140). Based on the evidence outlined above, the variant was classified as pathogenic.

Labcorp Genetics (formerly Invitae), Labcorp
Classification: Pathogenic. Last evaluated: 2023-04-23. Review status: criteria provided, single submitter. Criteria: Invitae Variant Classification Sherloc (09022015). Collection method: clinical testing. Allele origin: germline.
Comment: For these reasons, this variant has been classified as Pathogenic. Variants that disrupt the consensus splice site are a relatively common cause of aberrant splicing (PMID: 17576681, 9536098). Algorithms developed to predict the effect of sequence changes on RNA splicing suggest that this variant may create or strengthen a splice site. ClinVar contains an entry for this variant (Variation ID: 1202140). This variant is also known as IVS25+3G>A. This variant has been observed in individual(s) with deafness (PMID: 24206587, 30896630, 30953472, 34265623, 34416374, 34974475, 35346193). In at least one individual the data is consistent with being in trans (on the opposite chromosome) from a pathogenic variant. It has also been observed to segregate with disease in related individuals. This variant is present in population databases (rs530975087, gnomAD 0.04%). This sequence change falls in intron 26 of the MYO15A gene. It does not directly change the encoded amino acid sequence of the MYO15A protein. It affects a nucleotide within the consensus splice site.

Juno Genomics, Hangzhou Juno Genomics, Inc
Classification: Pathogenic for Autosomal recessive nonsyndromic hearing loss 3. Review status: criteria provided, single submitter. Criteria: ACMG Guidelines, 2015. Collection method: clinical testing. Allele origin: germline.
Comment: For recessive disorders, detected in trans with a pathogenic variant.;Co-segregation with disease in multiple affected family members.

Molecular Diagnosis Center for Deafness
Classification: Pathogenic for Autosomal recessive nonsyndromic hearing loss 3. Review status: criteria provided, single submitter. Criteria: ClinGen HL ACMG Specifications v1. Collection method: clinical testing. Allele origin: inherited. Observed: 6 variant alleles.

Molecular Genetics Laboratory, BC Children's and BC Women's Hospitals
Classification: Likely pathogenic for Autosomal recessive nonsyndromic hearing loss 3. Last evaluated: 2025-07-08. Review status: no assertion criteria provided. Criteria: ACMG Guidelines, 2015. Collection method: clinical testing. Allele origin: unknown. Affected: yes. Not counted in ClinVar's aggregate classification.

GeneDx
Classification: Likely benign. Last evaluated: 2018-08-23. Review status: flagged submission. Criteria: GeneDx Variant Classification Process June 2021. Collection method: clinical testing. Allele origin: germline. Affected: yes. Not counted in ClinVar's aggregate classification.
Comment: This variant is associated with the following publications: (PMID: 30896630, 30953472, 27375115, 24206587)
ClinVar note: Reason: Older claim that does not account for recent evidence

Literature cited by the submitters: PubMed 34265623 (cited by Women's Health and Genetics/Laboratory Corporation of America, LabCorp and Labcorp Genetics (formerly Invitae), Labcorp); PubMed 24206587 (cited by Women's Health and Genetics/Laboratory Corporation of America, LabCorp and Labcorp Genetics (formerly Invitae), Labcorp); PubMed 30953472 (cited by Women's Health and Genetics/Laboratory Corporation of America, LabCorp and Labcorp Genetics (formerly Invitae), Labcorp); PubMed 30896630 (cited by Women's Health and Genetics/Laboratory Corporation of America, LabCorp and Labcorp Genetics (formerly Invitae), Labcorp); PubMed 17576681 (cited by Labcorp Genetics (formerly Invitae), Labcorp); PubMed 9536098 (cited by Labcorp Genetics (formerly Invitae), Labcorp); PubMed 34416374 (cited by Labcorp Genetics (formerly Invitae), Labcorp); PubMed 34974475 (cited by Labcorp Genetics (formerly Invitae), Labcorp); PubMed 35346193 (cited by Labcorp Genetics (formerly Invitae), Labcorp).

NM_016239.4(MYO15A):c.5964+3G>A

Gene: MYO15A (myosin XVA; plus strand). Cytogenetic location: 17p11.2.
Variant type: single nucleotide variant.
Coding change: c.5964+3G>A on transcript NM_016239.4 (MANE Select); 3 bases into the intron after coding-DNA position 5964, G replaced by A.
Molecular consequence: intron variant.
Genome position (GRCh38, 1-based): chr17:18,143,622, G>A. VCF-style: chr17-18143622-G-A. GRCh37 (hg19) VCF-style: chr17-18046936-G-A.
Identifiers: ClinVar variation 1202140 (VCV001202140.33), dbSNP rs530975087, ClinGen allele CA8424454.